The following is an entry in ClinVar:

ClinVar aggregate classification (germline): Likely pathogenic. Review status: criteria provided, multiple submitters, no conflicts (2 of 4 stars). 4 submissions from 4 submitters: Likely pathogenic (3). 1 of the submissions does not count toward it. Last evaluated 2024-08-01.

Conditions:
Cobalamin C disease. Also called: Cobalamin-C methylmalonic acidemia and homocystinuria; Methylmalonic acidemia and homocystinuria cblC type; Methylmalonic aciduria and homocystinuria, Vitamin B12-responsive; Vitamin B12 metabolic defect with combined deficiency of methylmalonyl-CoA mutase and homocysteine:methyltetrahydrofolate methyltransferase; methylmalonic aciduria and homocystinuria type cblC; Methylmalonic aciduria with homocystinuria cblC type. Identifiers: Orphanet 26, Orphanet 79282, MedGen C1848561, MONDO:0010184, OMIM 277400.

Submissions (4):

Natera, Inc.
Classification: Likely pathogenic for Methylmalonic aciduria and homocystinuria cblC type. Last evaluated: 2024-08-01. Review status: criteria provided, single submitter. Criteria: Natera Variant Classification Schema (03/2026). Collection method: clinical testing. Allele origin: germline.
Comment: The c.273_276del variant in MMACHC is a frameshift variant predicted to shift the reading frame beginning at codon 92 and leads to a stop codon 7 codons downstream. This variant is expected to result in nonsense mediated decay, truncation, or a dysfunctional protein product. This variant is rare in the general population with a frequency below the threshold expected for the associated phenotype(s). Given the available evidence, this variant is classified as Likely Pathogenic.

Baylor Genetics
Classification: Likely pathogenic for Cobalamin C disease. Last evaluated: 2023-01-19. Review status: criteria provided, single submitter. Criteria: ACMG Guidelines, 2015. Collection method: clinical testing. Allele origin: unknown.

Neuberg Centre For Genomic Medicine, NCGM
Classification: Likely pathogenic for Cobalamin C disease. Review status: criteria provided, single submitter. Criteria: ACMG Guidelines, 2015. Collection method: clinical testing. Allele origin: germline. Inheritance: Autosomal recessive inheritance. Affected: yes.
Comment: The frame shift variant c.273_276del (p.Glu92AlafsTer7) in MMACHC gene has not been reported previously as a pathogenic variant nor as a benign variant, to our knowledge. The p.Glu92AlafsTer7 variant is novel (not in any individuals) in gnomAD Exomes and is novel (not in any individuals) in 1000 Genomes. This variant causes a frameshift starting with codon Glutamic Acid 92, changes this amino acid to Alanine residue, and creates a premature Stop codon at position 7 of the new reading frame, denoted p.Glu92AlafsTer7. This variant is predicted to cause loss of normal protein function through protein truncation. Loss of function variants have been previously reported to be disease causing. For these reasons, this variant has been classified as Likely Pathogenic.

Counsyl
Classification: Likely pathogenic for Cobalamin C disease. Last evaluated: 2018-01-15. Review status: no assertion criteria provided. Collection method: clinical testing. Allele origin: unknown. Not counted in ClinVar's aggregate classification.

NM_015506.3(MMACHC):c.275_278del (p.Glu92fs)

Gene: MMACHC (metabolism of cobalamin associated C; plus strand). Cytogenetic location: 1p34.1.
Variant type: Microsatellite.
Coding change: c.275_278del on transcript NM_015506.3 (MANE Select); coding-DNA positions 275 to 278, 4 bases deleted (AGAG; older notation c.275_278delAGAG).
Protein change: p.Glu92fs; shifts the reading frame from glutamic acid 92.
Molecular consequence: frameshift variant.
Genome position (GRCh38, 1-based): chr1:45,507,547-45,507,550, AGAG deleted; deleting any 4 consecutive bases within chr1:45,507,545-45,507,550 gives the same sequence; the c. name uses the placement nearest the transcript's 3' end. VCF-style (leftmost placement, unchanged base first): chr1-45507544-TAGAG-T. GRCh37 (hg19) VCF-style: chr1-45973216-TAGAG-T.
Other names: c.104_107del, p.Glu35fs (NM_001330540.2); c.273_276del (NM_015506.2, NM_015506.3); c.273_276delAGAG (NM_015506.2); short protein forms E92fs, E35fs.
Identifiers: ClinVar variation 556123 (VCV000556123.5), dbSNP rs1553162788, ClinGen allele CA658821019.